The following is an entry in ClinVar:

NM_001291303.3(FAT4):c.6639C>T (p.Val2213=)

Gene: FAT4 (FAT atypical cadherin 4; plus strand). Cytogenetic location: 4q28.1.
Variant type: single nucleotide variant.
Coding change: c.6639C>T on transcript NM_001291303.3 (MANE Select); coding-DNA position 6639, C replaced by T.
Protein change: p.Val2213=; no amino-acid change (valine 2213 retained).
Molecular consequence: synonymous variant.
Genome position (GRCh38, 1-based): chr4:125,415,602, C>T. VCF-style: chr4-125415602-C-T. GRCh37 (hg19) VCF-style: chr4-126336757-C-T.
Other names: c.6639C>T, p.Val2213= (NM_001291285.3, NM_024582.6).
Identifiers: ClinVar variation 1551120 (VCV001551120.10), dbSNP rs759154801, ClinGen allele CA3072954.
Genomic context (GRCh38, chr4:125,415,602, plus strand): 5'-TGTTAATGGTAATACCAATCAGGAATTTCGGATAGACTCTGTCACAGGTGCCATCACTGT[C>T]GCTAAACCTTTGGATAGAGAAAAGACCCCTACCTACCATTTAACTGTTCAGGCAACAGAT-3'
Protein context (NP_001278232.1, residues 2203-2223): RIDSVTGAIT[Val2213=]AKPLDREKTP

ClinVar aggregate classification (germline): Likely benign. Review status: criteria provided, multiple submitters, no conflicts (2 of 4 stars). 3 submissions from 3 submitters: Likely benign (3). Last evaluated 2026-09-01.

Allele frequency attached by ClinVar (database versions not stated): gnomAD 0.00001; TOPMed 0.00002; ExAC 0.00003; gnomAD exomes 0.00006 and 0.00014.
gnomAD v4.1: 204 of 1,613,892 alleles (0.013%); highest among the groups gnomAD compares: East Asian, 0.34%; no homozygotes.

Submissions (3):

CeGaT Center for Human Genetics Tuebingen
Classification: Likely benign. Last evaluated: 2026-09-01. Review status: criteria provided, single submitter. Criteria: CeGaT Center For Human Genetics Tuebingen Variant Classification Criteria Version 2. Collection method: clinical testing. Allele origin: germline. Affected: yes. Observed: 1 variant allele.
Comment: FAT4: BP4, BP7

Labcorp Genetics (formerly Invitae), Labcorp
Classification: Likely benign. Last evaluated: 2025-06-04. Review status: criteria provided, single submitter. Criteria: Invitae Variant Classification Sherloc (09022015). Collection method: clinical testing. Allele origin: germline.

Blueprint Genetics
Classification: Likely benign. Last evaluated: 2023-11-23. Review status: criteria provided, single submitter. Criteria: ACMG Guidelines, 2015. Collection method: clinical testing. Allele origin: germline.